The following is an entry in ClinVar:

ClinVar aggregate classification (germline): Uncertain significance (1 of 4 stars; one submission).

gnomAD v4.1: 1 of 1,613,094 alleles (0.000062%); highest among the groups gnomAD compares: African/African-American, 0.0013%; no homozygotes.

Submission:

Labcorp Genetics (formerly Invitae), Labcorp
Classification: Uncertain significance. Last evaluated: 2022-07-25. Review status: criteria provided, single submitter. Criteria: Invitae Variant Classification Sherloc (09022015). Collection method: clinical testing. Allele origin: germline.
Comment: In summary, the available evidence is currently insufficient to determine the role of this variant in disease. Therefore, it has been classified as a Variant of Uncertain Significance. Algorithms developed to predict the effect of missense changes on protein structure and function output the following: SIFT: "Tolerated"; PolyPhen-2: "Benign"; Align-GVGD: "Class C0". The valine amino acid residue is found in multiple mammalian species, which suggests that this missense change does not adversely affect protein function. This variant has not been reported in the literature in individuals affected with MTPAP-related conditions. This variant is not present in population databases (gnomAD no frequency). This sequence change replaces alanine, which is neutral and non-polar, with valine, which is neutral and non-polar, at codon 37 of the MTPAP protein (p.Ala37Val).

NM_018109.4(MTPAP):c.110C>T (p.Ala37Val)

Genes: MTPAP (mitochondrial poly(A) polymerase; minus strand), LOC130003598 (ATAC-STARR-seq lymphoblastoid active region 3207; plus strand). Cytogenetic location: 10p11.23.
Variant type: single nucleotide variant.
Coding change: c.110C>T on transcript NM_018109.4 (MANE Select); coding-DNA position 110, C replaced by T.
Protein change: p.Ala37Val; replaces alanine 37 with valine.
Molecular consequence: missense variant.
Genome position (GRCh38, 1-based): chr10:30,349,166, G>A on the plus strand (C>T on the coding strand, the complement: MTPAP is on the minus strand). VCF-style: chr10-30349166-G-A. GRCh37 (hg19) VCF-style: chr10-30638095-G-A.
Other names: short protein forms A37V.
Identifiers: ClinVar variation 2107009 (VCV002107009.4), dbSNP rs370276922, ClinGen allele CA205290203.
Genomic context (GRCh38, chr10:30,349,166, plus strand): 5'-CCGGCGCCATCACCTGTCTCCACGCTCCCTGAAGGCTGCTCGTCTCTCCTAAGGTCTTTG[G>A]CCACAGTTCCTGGGCAACTCAAAAGCCTGACGATAGGCCGCTGGACTCGAGTTCTTCTCC-3'
Protein context (NP_060579.3, residues 27-47): VRLLSCPGTV[Ala37Val]KDLRRDEQPS